The following is an entry in ClinVar:

ClinVar aggregate classification (germline): Uncertain significance. Review status: criteria provided, multiple submitters, no conflicts (2 of 4 stars). 2 submissions from 2 submitters: Uncertain significance (2). Last evaluated 2025-10-17.

Conditions:
Carnitine palmitoyltransferase II deficiency. Also called: Carnitine Palmitoyltransferase 2 Deficiency. Identifiers: Orphanet 157, MedGen C0342790, MONDO:0015515.

Submissions (2):

Mayo Clinic Laboratories, Mayo Clinic
Classification: Uncertain significance. Last evaluated: 2025-10-17. Review status: criteria provided, single submitter. Criteria: ACMG Guidelines, 2015. Collection method: clinical testing. Allele origin: germline. Observed: 1 variant allele.
Comment: PM2_supporting

Labcorp Genetics (formerly Invitae), Labcorp
Classification: Uncertain significance for Carnitine palmitoyltransferase II deficiency. Last evaluated: 2023-11-27. Review status: criteria provided, single submitter. Criteria: Invitae Variant Classification Sherloc (09022015). Collection method: clinical testing. Allele origin: germline.
Comment: This sequence change replaces aspartic acid, which is acidic and polar, with alanine, which is neutral and non-polar, at codon 435 of the CPT2 protein (p.Asp435Ala). This variant is not present in population databases (gnomAD no frequency). This variant has not been reported in the literature in individuals affected with CPT2-related conditions. ClinVar contains an entry for this variant (Variation ID: 2141496). Advanced modeling of protein sequence and biophysical properties (such as structural, functional, and spatial information, amino acid conservation, physicochemical variation, residue mobility, and thermodynamic stability) performed at Invitae indicates that this missense variant is not expected to disrupt CPT2 protein function with a negative predictive value of 80%. In summary, the available evidence is currently insufficient to determine the role of this variant in disease. Therefore, it has been classified as a Variant of Uncertain Significance.

NM_000098.3(CPT2):c.1304A>C (p.Asp435Ala)

Gene: CPT2 (carnitine palmitoyltransferase 2; plus strand). Cytogenetic location: 1p32.3.
Variant type: single nucleotide variant.
Coding change: c.1304A>C on transcript NM_000098.3 (MANE Select); coding-DNA position 1304, A replaced by C.
Protein change: p.Asp435Ala; replaces aspartic acid 435 with alanine.
Molecular consequence: missense variant.
Genome position (GRCh38, 1-based): chr1:53,210,978, A>C. VCF-style: chr1-53210978-A-C. GRCh37 (hg19) VCF-style: chr1-53676650-A-C.
Other names: p.Asp435Ala; c.1304A>C, p.Asp435Ala (NM_001330589.2); short protein forms D435A.
Identifiers: ClinVar variation 2141496 (VCV002141496.5), dbSNP rs865856450, ClinGen allele CA22639495.